The following is an entry in ClinVar:

ClinVar aggregate classification (germline): Uncertain significance (1 of 4 stars; one submission).

Allele frequency attached by ClinVar (database versions not stated): ExAC 0.00001; gnomAD 0.00001; gnomAD exomes 0.00001; 1000 Genomes Project 30x 0.00016; 1000 Genomes Project 0.00020.
gnomAD v4.1: 6 of 1,613,882 alleles (0.00037%); highest among the groups gnomAD compares: East Asian, 0.0022%; no homozygotes.

Submission:

Labcorp Genetics (formerly Invitae), Labcorp
Classification: Uncertain significance. Last evaluated: 2022-07-25. Review status: criteria provided, single submitter. Criteria: Invitae Variant Classification Sherloc (09022015). Collection method: clinical testing. Allele origin: germline.
Comment: Algorithms developed to predict the effect of missense changes on protein structure and function are either unavailable or do not agree on the potential impact of this missense change (SIFT: "Deleterious"; PolyPhen-2: "Benign"; Align-GVGD: "Class C0"). In summary, the available evidence is currently insufficient to determine the role of this variant in disease. Therefore, it has been classified as a Variant of Uncertain Significance. ClinVar contains an entry for this variant (Variation ID: 1462851). This variant has not been reported in the literature in individuals affected with MCM3AP-related conditions. This variant is not present in population databases (gnomAD no frequency). This sequence change replaces valine, which is neutral and non-polar, with methionine, which is neutral and non-polar, at codon 660 of the MCM3AP protein (p.Val660Met).

NM_003906.5(MCM3AP):c.1978G>A (p.Val660Met)

Gene: MCM3AP (minichromosome maintenance complex component 3 associated protein; minus strand). Cytogenetic location: 21q22.3.
Variant type: single nucleotide variant.
Coding change: c.1978G>A on transcript NM_003906.5 (MANE Select); coding-DNA position 1978, G replaced by A.
Protein change: p.Val660Met; replaces valine 660 with methionine.
Molecular consequence: missense variant.
Genome position (GRCh38, 1-based): chr21:46,275,206, C>T on the plus strand (G>A on the coding strand, the complement: MCM3AP is on the minus strand). VCF-style: chr21-46275206-C-T. GRCh37 (hg19) VCF-style: chr21-47695120-C-T.
Other names: short protein forms V660M.
Identifiers: ClinVar variation 1462851 (VCV001462851.6), dbSNP rs199936007, ClinGen allele CA10076927.